The following is an entry in ClinVar:

NM_022841.7(RFX7):c.2727_2730del (p.Cys909fs)

Gene: RFX7 (regulatory factor X7; minus strand). Cytogenetic location: 15q21.3.
Variant type: Deletion.
Coding change: c.2727_2730del on transcript NM_022841.7 (MANE Select); coding-DNA positions 2727 to 2730, 4 bases deleted (TTTG; older notation c.2727_2730delTTTG).
Protein change: p.Cys909fs; shifts the reading frame from cysteine 909.
Molecular consequence: frameshift variant.
Genome position (GRCh38, 1-based): chr15:56,094,998-56,095,001, CAAA deleted on the plus strand (TTTG on the coding strand, the reverse complement: RFX7 is on the minus strand); deleting any 4 consecutive bases within chr15:56,094,998-56,095,003 gives the same sequence; the c. name uses the placement nearest the transcript's 3' end. VCF-style (leftmost placement, unchanged base first): chr15-56094997-CCAAA-C. GRCh37 (hg19) VCF-style: chr15-56387195-CCAAA-C.
Other names: c.2436_2439del, p.Cys812fs (NM_001368073.2, NM_001368074.1, NM_001370554.1); c.2727_2730del, p.Cys909fs (NM_001370561.1); short protein forms C812fs, C909fs.
Identifiers: ClinVar variation 4891100 (VCV004891100.1).

ClinVar aggregate classification (germline): Pathogenic (1 of 4 stars; one submission).

Conditions:
Intellectual developmental disorder, autosomal dominant 71, with behavioral abnormalities (MRD71). Identifiers: MedGen C5830437, MONDO:0957228, OMIM 620330.

Submission:

Greenwood Genetic Center Diagnostic Laboratories, Greenwood Genetic Center
Classification: Pathogenic for Intellectual developmental disorder, autosomal dominant 71, with behavioral abnormalities. Last evaluated: 2026-05-21. Review status: criteria provided, single submitter. Criteria: ACMG Guidelines, 2015. Collection method: clinical testing. Allele origin: germline. Affected: yes.
Comment: PVS1, PM2, PM6